The following is an entry in ClinVar:

ClinVar aggregate classification (germline): Likely pathogenic (1 of 4 stars; one submission).

Conditions:
Duchenne muscular dystrophy (DMD). Also called: Duchenne Muscular Dystrophy (DMD); MUSCULAR DYSTROPHY, PSEUDOHYPERTROPHIC PROGRESSIVE, DUCHENNE TYPE. Identifiers: Orphanet 98896, MedGen C0013264, MONDO:0010679, OMIM 310200.

Submission:

Labcorp Genetics (formerly Invitae), Labcorp
Classification: Likely pathogenic for Duchenne muscular dystrophy. Last evaluated: 2022-06-13. Review status: criteria provided, single submitter. Criteria: Invitae Variant Classification Sherloc (09022015). Collection method: clinical testing. Allele origin: germline.
Comment: This sequence change affects an acceptor splice site in intron 36 of the DMD gene. It is expected to disrupt RNA splicing. Variants that disrupt the donor or acceptor splice site typically lead to a loss of protein function (PMID: 16199547), and loss-of-function variants in DMD are known to be pathogenic (PMID: 16770791, 25007885). This variant is not present in population databases (gnomAD no frequency). Disruption of this splice site has been observed in individual(s) with clinical features of dilated cardiomyopathy (PMID: 31737537). Algorithms developed to predict the effect of sequence changes on RNA splicing suggest that this variant may disrupt the consensus splice site. In summary, the currently available evidence indicates that the variant is pathogenic, but additional data are needed to prove that conclusively. Therefore, this variant has been classified as Likely Pathogenic.

Literature cited by the submitters: PubMed 16199547; PubMed 16770791; PubMed 25007885; PubMed 31737537.

NM_004006.3(DMD):c.5155-1G>T

Gene: DMD (dystrophin; minus strand). Cytogenetic location: Xp21.1.
Variant type: single nucleotide variant.
Coding change: c.5155-1G>T on transcript NM_004006.3 (MANE Select); the canonical splice acceptor site of the intron before coding-DNA position 5155, G replaced by T.
Molecular consequence: splice acceptor variant.
Genome position (GRCh38, 1-based): chrX:32,362,959, C>A on the plus strand (G>T on the coding strand, the complement: DMD is on the minus strand). VCF-style: chrX-32362959-C-A. GRCh37 (hg19) VCF-style: chrX-32381076-C-A.
Other names: c.5131-1G>T (NM_000109.4); c.1132-1G>T (NM_004011.4); c.1123-1G>T (NM_004012.4); c.5143-1G>T (NM_004009.3); c.4786-1G>T (NM_004010.3).
Identifiers: ClinVar variation 1468325 (VCV001468325.6), dbSNP rs1220757614, ClinGen allele CA412671398.
Genomic context (GRCh38, chrX:32,362,959, plus strand): 5'-TGCTTGGTCACGTGTAGAGTCCACCTTTGGGCGTATGTCATTCAGTTCTGCCTTTAAACG[C>A]TATATTCCATGAGCAAGAGATAGGACTTGAAGTTAGTAATTAATGAAGGTCAAGATAGAA-3'